The following is an entry in ClinVar:

NM_002878.4(RAD51D):c.532A>G (p.Met178Val)

Genes: RAD51D (RAD51 paralog D; minus strand), RAD51L3-RFFL (RAD51L3-RFFL readthrough; minus strand). Cytogenetic location: 17q12.
Variant type: single nucleotide variant.
Coding change: c.532A>G on transcript NM_002878.4 (MANE Select); coding-DNA position 532, A replaced by G.
Protein change: p.Met178Val; replaces methionine 178 with valine.
Molecular consequence: missense variant. On other transcripts: non-coding transcript variant (3).
Genome position (GRCh38, 1-based): chr17:35,106,430, T>C on the plus strand (A>G on the coding strand, the complement: RAD51D is on the minus strand). VCF-style: chr17-35106430-T-C. GRCh37 (hg19) VCF-style: chr17-33433449-T-C.
Other names: c.592A>G, p.Met198Val (NM_001142571.2); c.196A>G, p.Met66Val (NM_133629.3); short protein forms M178V, M66V, M198V.
Identifiers: ClinVar variation 185851 (VCV000185851.14), dbSNP rs786202505, ClinGen allele CA193158.

ClinVar aggregate classification (germline): Uncertain significance. Review status: criteria provided, multiple submitters, no conflicts (2 of 4 stars). 2 submissions from 2 submitters: Uncertain significance (2). Last evaluated 2026-01-04.

Conditions:
Hereditary cancer-predisposing syndrome. Also called: Hereditary neoplastic syndrome; Neoplastic Syndromes, Hereditary; Tumor predisposition; Hereditary Cancer Syndrome. Identifiers: Orphanet 140162, MedGen C0027672, MeSH D009386, MONDO:0015356.
Breast-ovarian cancer, familial, susceptibility to, 4. Identifiers: Orphanet 145, MedGen C3280345, MONDO:0013669, OMIM 614291.

Allele frequency attached by ClinVar (database versions not stated): gnomAD exomes below 0.00001.

Submissions (2):

Labcorp Genetics (formerly Invitae), Labcorp
Classification: Uncertain significance for Breast-ovarian cancer, familial, susceptibility to, 4. Last evaluated: 2026-01-04. Review status: criteria provided, single submitter. Criteria: Invitae Variant Classification Sherloc (09022015). Collection method: clinical testing. Allele origin: germline.
Comment: This sequence change replaces methionine, which is neutral and non-polar, with valine, which is neutral and non-polar, at codon 178 of the RAD51D protein (p.Met178Val). This variant is not present in population databases (gnomAD no frequency). This variant has not been reported in the literature in individuals affected with RAD51D-related conditions. ClinVar contains an entry for this variant (Variation ID: 185851). Invitae Evidence Modeling of protein sequence and biophysical properties (such as structural, functional, and spatial information, amino acid conservation, physicochemical variation, residue mobility, and thermodynamic stability) indicates that this missense variant is not expected to disrupt RAD51D protein function with a negative predictive value of 80%. In summary, the available evidence is currently insufficient to determine the role of this variant in disease. Therefore, it has been classified as a Variant of Uncertain Significance.

Ambry Genetics
Classification: Uncertain significance for Hereditary cancer-predisposing syndrome. Last evaluated: 2025-06-14. Review status: criteria provided, single submitter. Criteria: Ambry Variant Classification Scheme 2023. Collection method: clinical testing. Allele origin: germline.
Comment: The p.M178V variant (also known as c.532A>G), located in coding exon 6 of the RAD51D gene, results from an A to G substitution at nucleotide position 532. The methionine at codon 178 is replaced by valine, an amino acid with highly similar properties. This amino acid position is well conserved in available vertebrate species. In addition, this alteration is predicted to be tolerated by in silico analysis. Since supporting evidence is limited at this time, the clinical significance of this alteration remains unclear.